The following is an entry in ClinVar:

ClinVar aggregate classification (germline): Uncertain significance (1 of 4 stars; one submission).

gnomAD v4.1: 22 of 1,614,016 alleles (0.0014%); highest among the groups gnomAD compares: Admixed American, 0.0067%; no homozygotes.

Submission:

Labcorp Genetics (formerly Invitae), Labcorp
Classification: Uncertain significance. Last evaluated: 2026-01-14. Review status: criteria provided, single submitter. Criteria: Invitae Variant Classification Sherloc (09022015). Collection method: clinical testing. Allele origin: germline.
Comment: This sequence change replaces arginine, which is basic and polar, with histidine, which is basic and polar, at codon 282 of the KRT14 protein (p.Arg282His). This variant is present in population databases (rs375620492, gnomAD 0.009%). This variant has not been reported in the literature in individuals affected with KRT14-related conditions. Invitae Evidence Modeling of protein sequence and biophysical properties (such as structural, functional, and spatial information, amino acid conservation, physicochemical variation, residue mobility, and thermodynamic stability) indicates that this missense variant is not expected to disrupt KRT14 protein function with a negative predictive value of 80%. In summary, the available evidence is currently insufficient to determine the role of this variant in disease. Therefore, it has been classified as a Variant of Uncertain Significance.

NM_000526.5(KRT14):c.845G>A (p.Arg282His)

Gene: KRT14 (keratin 14; minus strand). Cytogenetic location: 17q21.2.
Variant type: single nucleotide variant.
Coding change: c.845G>A on transcript NM_000526.5 (MANE Select); coding-DNA position 845, G replaced by A.
Protein change: p.Arg282His; replaces arginine 282 with histidine.
Molecular consequence: missense variant.
Genome position (GRCh38, 1-based): chr17:41,583,842, C>T on the plus strand (G>A on the coding strand, the complement: KRT14 is on the minus strand). VCF-style: chr17-41583842-C-T. GRCh37 (hg19) VCF-style: chr17-39740094-C-T.
Other names: short protein forms R282H.
Identifiers: ClinVar variation 4752659 (VCV004752659.1).